The following is an entry in ClinVar:

NM_016284.5(CNOT1):c.4141C>G (p.Pro1381Ala)

Gene: CNOT1 (CCR4-NOT transcription complex subunit 1; minus strand). Cytogenetic location: 16q21.
Variant type: single nucleotide variant.
Coding change: c.4141C>G on transcript NM_016284.5 (MANE Select); coding-DNA position 4141, C replaced by G.
Protein change: p.Pro1381Ala; replaces proline 1381 with alanine.
Molecular consequence: missense variant. On other transcripts: non-coding transcript variant (1).
Genome position (GRCh38, 1-based): chr16:58,543,900, G>C on the plus strand (C>G on the coding strand, the complement: CNOT1 is on the minus strand). VCF-style: chr16-58543900-G-C. GRCh37 (hg19) VCF-style: chr16-58577804-G-C.
Other names: c.4126C>G, p.Pro1376Ala (NM_001265612.2); c.4141C>G, p.Pro1381Ala (NM_206999.3); short protein forms P1376A, P1381A.
Identifiers: ClinVar variation 1335214 (VCV001335214.40), dbSNP rs779708330, ClinGen allele CA8089210.

ClinVar aggregate classification (germline): Conflicting classifications of pathogenicity. Review status: criteria provided, conflicting classifications (1 of 4 stars). 3 submissions from 3 submitters: Uncertain significance (2); Likely benign (1). Last evaluated 2026-04-01.

Conditions:
Vissers-Bodmer syndrome. Identifiers: MedGen C5436647, MONDO:0033618, OMIM 619033.

Allele frequency attached by ClinVar (database versions not stated): TOPMed below 0.00001; ExAC 0.00001; gnomAD exomes 0.00001.

Submissions (3):

CeGaT Center for Human Genetics Tuebingen
Classification: Likely benign. Last evaluated: 2026-04-01. Review status: criteria provided, single submitter. Criteria: CeGaT Center For Human Genetics Tuebingen Variant Classification Criteria Version 2. Collection method: clinical testing. Allele origin: germline. Affected: yes. Observed: 2 variant alleles.
Comment: CNOT1: PP2, BS2

Labcorp Genetics (formerly Invitae), Labcorp
Classification: Uncertain significance. Last evaluated: 2024-10-08. Review status: criteria provided, single submitter. Criteria: Invitae Variant Classification Sherloc (09022015). Collection method: clinical testing. Allele origin: germline.
Comment: This sequence change replaces proline, which is neutral and non-polar, with alanine, which is neutral and non-polar, at codon 1376 of the CNOT1 protein (p.Pro1376Ala). This variant is present in population databases (rs779708330, gnomAD 0.001%). This variant has not been reported in the literature in individuals affected with CNOT1-related conditions. ClinVar contains an entry for this variant (Variation ID: 1335214). An algorithm developed to predict the effect of missense changes on protein structure and function (PolyPhen-2) suggests that this variant is likely to be tolerated. In summary, the available evidence is currently insufficient to determine the role of this variant in disease. Therefore, it has been classified as a Variant of Uncertain Significance.

Institute of Human Genetics, University Hospital of Duesseldorf
Classification: Uncertain significance for Vissers-Bodmer syndrome. Review status: criteria provided, single submitter. Criteria: ACMG Guidelines, 2015. Collection method: not provided. Allele origin: germline. Inheritance: Autosomal dominant inheritance. Affected: yes.